The following is an entry in ClinVar:

ClinVar aggregate classification (germline): Pathogenic (1 of 4 stars; one submission).

Conditions:
Early-infantile DEE. Also called: Ohtahara syndrome; Early infantile epileptic encephalopathy with suppression bursts; Early infantile epileptic encephalopathy. Identifiers: Orphanet 1934, MedGen C0393706, MONDO:0800491.

Submission:

Labcorp Genetics (formerly Invitae), Labcorp
Classification: Pathogenic for Early-infantile DEE. Last evaluated: 2023-12-30. Review status: criteria provided, single submitter. Criteria: Invitae Variant Classification Sherloc (09022015). Collection method: clinical testing. Allele origin: germline.
Comment: This sequence change creates a premature translational stop signal (p.Phe329Leufs*11) in the KCNQ2 gene. It is expected to result in an absent or disrupted protein product. Loss-of-function variants in KCNQ2 are known to be pathogenic (PMID: 14534157, 23692823, 27779742). This variant is not present in population databases (gnomAD no frequency). This variant has not been reported in the literature in individuals affected with KCNQ2-related conditions. For these reasons, this variant has been classified as Pathogenic.

Literature cited by the submitters: PubMed 14534157; PubMed 23692823; PubMed 27779742.

NM_172107.4(KCNQ2):c.987del (p.Phe329fs)

Gene: KCNQ2 (potassium voltage-gated channel subfamily Q member 2; minus strand). Cytogenetic location: 20q13.33.
Variant type: Deletion.
Coding change: c.987del on transcript NM_172107.4 (MANE Select); coding-DNA position 987, one base deleted (T; older notation c.987delT).
Protein change: p.Phe329fs; shifts the reading frame from phenylalanine 329.
Molecular consequence: frameshift variant.
Genome position (GRCh38, 1-based): chr20:63,438,661, A deleted on the plus strand (T on the coding strand, the reverse complement: KCNQ2 is on the minus strand); the first of 3 consecutive A bases (chr20:63,438,661-63,438,663); deleting any one gives the same sequence. VCF-style (leftmost placement, unchanged base first): chr20-63438660-CA-C. GRCh37 (hg19) VCF-style: chr20-62070013-CA-C.
Other names: c.987del, p.Phe329fs (NM_001382235.1, NM_004518.6, NM_172106.3 and 2 more transcripts); short protein forms F329fs.
Identifiers: ClinVar variation 2706599 (VCV002706599.3), dbSNP rs2516409196, ClinGen allele CA2697547459.